The following is an entry in ClinVar:

ClinVar aggregate classification (germline): Uncertain significance (1 of 4 stars; one submission).

Conditions:
Charcot-Marie-Tooth Neuropathy X. Identifiers: MedGen CN118851.

Submission:

Labcorp Genetics (formerly Invitae), Labcorp
Classification: Uncertain significance for Charcot-Marie-Tooth Neuropathy X. Last evaluated: 2019-10-04. Review status: criteria provided, single submitter. Criteria: Invitae Variant Classification Sherloc (09022015). Collection method: clinical testing. Allele origin: germline.
Comment: This variant has not been reported in the literature in individuals with GJB1-related conditions. This variant is not present in population databases (ExAC no frequency). This sequence change replaces aspartic acid with tyrosine at codon 66 of the GJB1 protein (p.Asp66Tyr). The aspartic acid residue is highly conserved and there is a large physicochemical difference between aspartic acid and tyrosine. In summary, the available evidence is currently insufficient to determine the role of this variant in disease. Therefore, it has been classified as a Variant of Uncertain Significance. Algorithms developed to predict the effect of missense changes on protein structure and function are either unavailable or do not agree on the potential impact of this missense change (SIFT: "Deleterious"; PolyPhen-2: "Probably Damaging"; Align-GVGD: "Class C15").

NM_000166.6(GJB1):c.196G>T (p.Asp66Tyr)

Gene: GJB1 (gap junction protein beta 1; plus strand). Cytogenetic location: Xq13.1.
Variant type: single nucleotide variant.
Coding change: c.196G>T on transcript NM_000166.6 (MANE Select); coding-DNA position 196, G replaced by T.
Protein change: p.Asp66Tyr; replaces aspartic acid 66 with tyrosine.
Molecular consequence: missense variant.
Genome position (GRCh38, 1-based): chrX:71,223,903, G>T. VCF-style: chrX-71223903-G-T. GRCh37 (hg19) VCF-style: chrX-70443753-G-T.
Other names: c.196G>T, p.Asp66Tyr (NM_001097642.3); short protein forms D66Y.
Identifiers: ClinVar variation 967193 (VCV000967193.9), dbSNP rs1602348911, ClinGen allele CA413501382.